The following is an entry in ClinVar:

NM_001164508.2(NEB):c.24056C>T (p.Pro8019Leu)

Genes: NEB (nebulin; minus strand), RIF1 (replication timing regulatory factor 1; plus strand). Cytogenetic location: 2q23.3.
Variant type: single nucleotide variant.
Coding change: c.24056C>T on transcript NM_001164508.2 (MANE Select); coding-DNA position 24056, C replaced by T.
Protein change: p.Pro8019Leu; replaces proline 8019 with leucine.
Molecular consequence: missense variant. On other transcripts: intron variant (1).
Genome position (GRCh38, 1-based): chr2:151,499,356, G>A on the plus strand (C>T on the coding strand, the complement: NEB is on the minus strand). VCF-style: chr2-151499356-G-A. GRCh37 (hg19) VCF-style: chr2-152355870-G-A.
Other names: c.24056C>T, p.Pro8019Leu (NM_001164507.2); c.24161C>T, p.Pro8054Leu (NM_001271208.2); c.18826-2988C>T (NM_004543.5); short protein forms P8054L, P8019L.
Identifiers: ClinVar variation 380238 (VCV000380238.14), dbSNP rs189655274, ClinGen allele CA1906156.

ClinVar aggregate classification (germline): Benign/Likely benign. Review status: criteria provided, multiple submitters, no conflicts (2 of 4 stars). 3 submissions from 3 submitters: Benign (1); Likely benign (2). Last evaluated 2026-01-31.

Conditions:
Nemaline myopathy 2 (NEM2). Also called: Nemaline myopathy 2, autosomal recessive. Identifiers: MedGen C1850569, MONDO:0009725, OMIM 256030.

Allele frequency attached by ClinVar (database versions not stated): gnomAD exomes 0.00023 and 0.00051; 1000 Genomes Project 30x 0.00172; gnomAD 0.00255 and 0.00280; TOPMed 0.00286; ESP Exome Variant Server 0.00372; ExAC 0.00111; 1000 Genomes Project 0.00140.
gnomAD v4.1: 732 of 1,546,346 alleles (0.047%); highest among the groups gnomAD compares: African/African-American, 0.9%; 5 homozygotes.

Submissions (3):

Labcorp Genetics (formerly Invitae), Labcorp
Classification: Benign for Nemaline myopathy 2. Last evaluated: 2026-01-31. Review status: criteria provided, single submitter. Criteria: Invitae Variant Classification Sherloc (09022015). Collection method: clinical testing. Allele origin: germline.

GeneDx
Classification: Likely benign. Last evaluated: 2017-05-22. Review status: criteria provided, single submitter. Criteria: GeneDx Variant Classification (06012015). Collection method: clinical testing. Allele origin: germline. Affected: yes.
Comment: This variant is considered likely benign or benign based on one or more of the following criteria: it is a conservative change, it occurs at a poorly conserved position in the protein, it is predicted to be benign by multiple in silico algorithms, and/or has population frequency not consistent with disease.

Breakthrough Genomics
Classification: Likely benign. Review status: criteria provided, single submitter. Criteria: ACMG Guidelines, 2015. Collection method: not provided. Allele origin: germline. Inheritance: Autosomal recessive inheritance. Affected: yes.